The following is an entry in ClinVar:

ClinVar aggregate classification (germline): Uncertain significance (1 of 4 stars; one submission).

Submission:

GeneDx
Classification: Uncertain significance. Last evaluated: 2025-03-24. Review status: criteria provided, single submitter. Criteria: GeneDx Variant Classification Process June 2021. Collection method: clinical testing. Allele origin: germline. Affected: yes.
Comment: Not observed at significant frequency in large population cohorts (gnomAD); In silico analysis indicates that this missense variant does not alter protein structure/function; Has not been previously published as pathogenic or benign to our knowledge

NM_018486.3(HDAC8):c.1103A>T (p.Tyr368Phe)

Gene: HDAC8 (histone deacetylase 8; minus strand). Cytogenetic location: Xq13.1.
Variant type: single nucleotide variant.
Coding change: c.1103A>T on transcript NM_018486.3 (MANE Select); coding-DNA position 1103, A replaced by T.
Protein change: p.Tyr368Phe; replaces tyrosine 368 with phenylalanine.
Molecular consequence: missense variant. On other transcripts: non-coding transcript variant (5).
Genome position (GRCh38, 1-based): chrX:72,351,741, T>A on the plus strand (A>T on the coding strand, the complement: HDAC8 is on the minus strand). VCF-style: chrX-72351741-T-A. GRCh37 (hg19) VCF-style: chrX-71571591-T-A.
Other names: c.830A>T, p.Tyr277Phe (NM_001166418.2, NM_001410728.1); c.1103A>T, p.Tyr368Phe (NM_001410725.1); c.1025A>T, p.Tyr342Phe (NM_001410727.1); c.803A>T, p.Tyr268Phe (NM_001441234.1); short protein forms Y342F, Y268F, Y368F, Y277F.
Identifiers: ClinVar variation 4087881 (VCV004087881.1).